The following is an entry in ClinVar:

ClinVar aggregate classification (germline): Uncertain significance. Review status: criteria provided, multiple submitters, no conflicts (2 of 4 stars). 2 submissions from 2 submitters: Uncertain significance (2). Last evaluated 2025-08-27.

Conditions:
Familial adenomatous polyposis 2. Also called: Adenomas, multiple colorectal; MUTYH Polyposis; COLORECTAL ADENOMATOUS POLYPOSIS, AUTOSOMAL RECESSIVE; ADENOMAS, MULTIPLE COLORECTAL, AUTOSOMAL RECESSIVE; MUTYH-associated polyposis; MUTYH-related attenuated familial adenomatous polyposis. Identifiers: Orphanet 220460, Orphanet 247798, MedGen C3272841, MONDO:0012041, OMIM 608456.
Hereditary cancer-predisposing syndrome. Also called: Neoplastic Syndromes, Hereditary; Tumor predisposition; Hereditary Cancer Syndrome; Hereditary neoplastic syndrome. Identifiers: Orphanet 140162, MedGen C0027672, MeSH D009386, MONDO:0015356.

Submissions (2):

Ambry Genetics
Classification: Uncertain significance for Hereditary cancer-predisposing syndrome. Last evaluated: 2025-08-27. Review status: criteria provided, single submitter. Criteria: Ambry Variant Classification Scheme 2023. Collection method: clinical testing. Allele origin: germline.
Comment: The p.Q261K variant (also known as c.781C>A), located in coding exon 9 of the MUTYH gene, results from a C to A substitution at nucleotide position 781. The glutamine at codon 261 is replaced by lysine, an amino acid with similar properties. This amino acid position is conserved. In addition, this alteration is predicted to be tolerated by in silico analysis. Based on the available evidence, the clinical significance of this variant remains unclear.

Labcorp Genetics (formerly Invitae), Labcorp
Classification: Uncertain significance for Familial adenomatous polyposis 2. Last evaluated: 2019-06-18. Review status: criteria provided, single submitter. Criteria: Invitae Variant Classification Sherloc (09022015). Collection method: clinical testing. Allele origin: germline.
Comment: This sequence change replaces glutamine with lysine at codon 261 of the MUTYH protein (p.Gln261Lys). The glutamine residue is weakly conserved and there is a small physicochemical difference between glutamine and lysine. This variant is not present in population databases (ExAC no frequency). In summary, the available evidence is currently insufficient to determine the role of this variant in disease. Therefore, it has been classified as a Variant of Uncertain Significance. Algorithms developed to predict the effect of missense changes on protein structure and function output the following: SIFT: "Tolerated"; PolyPhen-2: "Benign"; Align-GVGD: "Class C0". The lysine amino acid residue is found in multiple mammalian species, suggesting that this missense change does not adversely affect protein function. These predictions have not been confirmed by published functional studies and their clinical significance is uncertain. This variant has not been reported in the literature in individuals with MUTYH-related conditions.

NM_001048174.2(MUTYH):c.697C>A (p.Gln233Lys)

Gene: MUTYH (mutY DNA glycosylase; minus strand). Cytogenetic location: 1p34.1.
Variant type: single nucleotide variant.
Coding change: c.697C>A on transcript NM_001048174.2 (MANE Select); coding-DNA position 697, C replaced by A.
Protein change: p.Gln233Lys; replaces glutamine 233 with lysine.
Molecular consequence: missense variant. On other transcripts: non-coding transcript variant (2).
Genome position (GRCh38, 1-based): chr1:45,332,398, G>T on the plus strand (C>A on the coding strand, the complement: MUTYH is on the minus strand). VCF-style: chr1-45332398-G-T. GRCh37 (hg19) VCF-style: chr1-45798070-G-T.
Other names: c.697C>A, p.Gln233Lys (NM_001048171.2, NM_001048173.2, NM_001293195.2); c.700C>A, p.Gln234Lys (NM_001048172.2); c.781C>A, p.Gln261Lys (NM_001128425.2); c.742C>A, p.Gln248Lys (NM_001293190.2); c.730C>A, p.Gln244Lys (NM_001293191.2); c.421C>A, p.Gln141Lys (NM_001293192.2, NM_001293196.2); c.352C>A, p.Gln118Lys (NM_001350650.2, NM_001350651.2); c.772C>A, p.Gln258Lys (NM_012222.3); short protein forms Q118K, Q234K, Q244K, Q141K, Q233K, Q258K, Q248K, Q261K.
Identifiers: ClinVar variation 939411 (VCV000939411.10), dbSNP rs1645074800, ClinGen allele CA340134762.